The following is an entry in ClinVar:

ClinVar aggregate classification (germline): Uncertain significance. Review status: criteria provided, multiple submitters, no conflicts (2 of 4 stars). 3 submissions from 3 submitters: Uncertain significance (3). Last evaluated 2026-07-20.

Conditions:
PLXNA2-related disorder. Also called: PLXNA2-related condition.

Allele frequency attached by ClinVar (database versions not stated): ESP Exome Variant Server 0.00008; ExAC 0.00009; gnomAD 0.00011 and 0.00013.
gnomAD v4.1: 287 of 1,613,586 alleles (0.018%); highest among the groups gnomAD compares: Non-Finnish European, 0.022%; 1 homozygote.

Submissions (3):

PreventionGenetics, part of Exact Sciences
Classification: Uncertain significance for PLXNA2-related condition. Last evaluated: 2026-07-20. Review status: criteria provided, single submitter. Criteria: ACMG Guidelines, 2015. Collection method: clinical testing. Allele origin: germline.
Comment: The PLXNA2 c.4667G>A variant is predicted to result in the amino acid substitution p.Arg1556His. To our knowledge, this variant has not been reported in the literature. This variant is reported in 0.015% of alleles in individuals of European (Non-Finnish) descent in gnomAD, including one homozygous individual, which may be too common to be a primary cause of disease. Although we suspect that this variant may be benign, at this time, the clinical significance of this variant is uncertain due to the absence of conclusive functional and genetic evidence.

Ambry Genetics
Classification: Uncertain significance. Last evaluated: 2025-05-20. Review status: criteria provided, single submitter. Criteria: Ambry Variant Classification Scheme 2023. Collection method: clinical testing. Allele origin: germline.

Labcorp Genetics (formerly Invitae), Labcorp
Classification: Uncertain significance. Last evaluated: 2020-11-27. Review status: criteria provided, single submitter. Criteria: Invitae Variant Classification Sherloc (09022015). Collection method: clinical testing. Allele origin: germline.
Comment: Algorithms developed to predict the effect of missense changes on protein structure and function are either unavailable or do not agree on the potential impact of this missense change (SIFT: "Deleterious"; PolyPhen-2: "Probably Damaging"; Align-GVGD: "Class C0"). This variant has not been reported in the literature in individuals with PLXNA2-related conditions. This variant is present in population databases (rs200636622, ExAC 0.02%). This sequence change replaces arginine with histidine at codon 1556 of the PLXNA2 protein (p.Arg1556His). The arginine residue is highly conserved and there is a small physicochemical difference between arginine and histidine. In summary, the available evidence is currently insufficient to determine the role of this variant in disease. Therefore, it has been classified as a Variant of Uncertain Significance.

NM_025179.4(PLXNA2):c.4667G>A (p.Arg1556His)

Gene: PLXNA2 (plexin A2; minus strand). Cytogenetic location: 1q32.2.
Variant type: single nucleotide variant.
Coding change: c.4667G>A on transcript NM_025179.4 (MANE Select); coding-DNA position 4667, G replaced by A.
Protein change: p.Arg1556His; replaces arginine 1556 with histidine.
Molecular consequence: missense variant.
Genome position (GRCh38, 1-based): chr1:208,038,468, C>T on the plus strand (G>A on the coding strand, the complement: PLXNA2 is on the minus strand). VCF-style: chr1-208038468-C-T. GRCh37 (hg19) VCF-style: chr1-208211813-C-T.
Other names: c.4667G>A (NM_025179.3); short protein forms R1556H.
Identifiers: ClinVar variation 1446504 (VCV001446504.12), dbSNP rs200636622, ClinGen allele CA1372793.
Genomic context (GRCh38, chr1:208,038,468, plus strand): 5'-CCCTCAATCTTGGTGGTGATGTCCTCATCTTGCAGCACGACCCGGGCGATCCGGCCTTGG[C>T]GCCACTCTGGGTGGAGGGGGTGGTGCAGGGAGCGGCGTGAGAGGGATGAGGGCTGTGAGC-3'
Protein context (NP_079455.3, residues 1546-1566): PRAVDMDLEW[Arg1556His]QGRIARVVLQ